The following is an entry in ClinVar:

ClinVar aggregate classification (germline): Uncertain significance. Review status: criteria provided, multiple submitters, no conflicts (2 of 4 stars). 2 submissions from 2 submitters: Uncertain significance (2). Last evaluated 2025-11-10.

Conditions:
Hereditary cancer-predisposing syndrome. Also called: Neoplastic Syndromes, Hereditary; Tumor predisposition; Hereditary Cancer Syndrome; Hereditary neoplastic syndrome. Identifiers: Orphanet 140162, MedGen C0027672, MeSH D009386, MONDO:0015356.
Fanconi anemia complementation group C (FANCC). Also called: FANCONI PANCYTOPENIA, TYPE 3; FACC; Fanconi anemia, group C; FANCC-Related Fanconi Anemia. Identifiers: Orphanet 84, MedGen C3468041, MONDO:0009213, OMIM 227645.

Allele frequency attached by ClinVar (database versions not stated): gnomAD exomes below 0.00001; TOPMed below 0.00001.
gnomAD v4.1: 3 of 1,612,292 alleles (0.00019%); highest among the groups gnomAD compares: African/African-American, 0.0013%; no homozygotes.

Submissions (2):

Ambry Genetics
Classification: Uncertain significance for Hereditary cancer-predisposing syndrome. Last evaluated: 2025-11-10. Review status: criteria provided, single submitter. Criteria: Ambry Variant Classification Scheme 2023. Collection method: clinical testing. Allele origin: germline.
Comment: The p.L215F variant (also known as c.643C>T), located in coding exon 6 of the FANCC gene, results from a C to T substitution at nucleotide position 643. The leucine at codon 215 is replaced by phenylalanine, an amino acid with highly similar properties. This amino acid position is conserved. In addition, this alteration is predicted to be tolerated by in silico analysis. Based on the available evidence, the clinical significance of this variant remains unclear.

Baylor Genetics
Classification: Uncertain significance for Fanconi anemia complementation group C. Last evaluated: 2022-01-11. Review status: criteria provided, single submitter. Criteria: ACMG Guidelines, 2015. Collection method: clinical testing. Allele origin: unknown. Affected: yes. Study: CSER-TexasKidsCanSeq.
Comment: This variant was determined to be of uncertain significance according to ACMG Guidelines, 2015 [PMID:25741868].

NM_000136.3(FANCC):c.643C>T (p.Leu215Phe)

Genes: FANCC (FA complementation group C; minus strand), AOPEP (aminopeptidase O (putative); plus strand). Cytogenetic location: 9q22.32.
Variant type: single nucleotide variant.
Coding change: c.643C>T on transcript NM_000136.3 (MANE Select); coding-DNA position 643, C replaced by T.
Protein change: p.Leu215Phe; replaces leucine 215 with phenylalanine.
Molecular consequence: missense variant.
Genome position (GRCh38, 1-based): chr9:95,149,966, G>A on the plus strand (C>T on the coding strand, the complement: FANCC is on the minus strand). VCF-style: chr9-95149966-G-A. GRCh37 (hg19) VCF-style: chr9-97912248-G-A.
Other names: c.643C>T, p.Leu215Phe (NM_001243743.2, NM_001243744.2); short protein forms L215F.
Identifiers: ClinVar variation 1341333 (VCV001341333.2), dbSNP rs1269365165, ClinGen allele CA374109601.